The following is an entry in ClinVar:

ClinVar aggregate classification (germline): Uncertain significance (1 of 4 stars; one submission).

Allele frequency attached by ClinVar (database versions not stated): gnomAD exomes below 0.00001.
gnomAD v4.1: 2 of 1,613,898 alleles (0.00012%); highest among the groups gnomAD compares: Non-Finnish European, 0.00017%; no homozygotes.

Submission:

Labcorp Genetics (formerly Invitae), Labcorp
Classification: Uncertain significance. Last evaluated: 2022-09-30. Review status: criteria provided, single submitter. Criteria: Invitae Variant Classification Sherloc (09022015). Collection method: clinical testing. Allele origin: germline.
Comment: This sequence change replaces glutamine, which is neutral and polar, with glutamic acid, which is acidic and polar, at codon 105 of the OSBPL2 protein (p.Gln105Glu). This variant is not present in population databases (gnomAD no frequency). This variant has not been reported in the literature in individuals affected with OSBPL2-related conditions. This missense change has been observed in at least one individual who was not affected with OSBPL2-related conditions (Invitae). Algorithms developed to predict the effect of missense changes on protein structure and function (SIFT, PolyPhen-2, Align-GVGD) all suggest that this variant is likely to be disruptive. In summary, the available evidence is currently insufficient to determine the role of this variant in disease. Therefore, it has been classified as a Variant of Uncertain Significance.

NM_144498.4(OSBPL2):c.313C>G (p.Gln105Glu)

Gene: OSBPL2 (oxysterol binding protein like 2; plus strand). Cytogenetic location: 20q13.33.
Variant type: single nucleotide variant.
Coding change: c.313C>G on transcript NM_144498.4 (MANE Select); coding-DNA position 313, C replaced by G.
Protein change: p.Gln105Glu; replaces glutamine 105 with glutamic acid.
Molecular consequence: missense variant.
Genome position (GRCh38, 1-based): chr20:62,272,179, C>G. VCF-style: chr20-62272179-C-G. GRCh37 (hg19) VCF-style: chr20-60847235-C-G.
Other names: c.37C>G, p.Gln13Glu (NM_001278649.3, NM_001363878.2); c.277C>G, p.Gln93Glu (NM_014835.5); short protein forms Q93E, Q105E, Q13E.
Identifiers: ClinVar variation 2104208 (VCV002104208.4), dbSNP rs2516522404, ClinGen allele CA409539404.